The following is an entry in ClinVar:

NM_000051.4(ATM):c.7804G>A (p.Ala2602Thr)

Genes: ATM (ATM serine/threonine kinase; plus strand), C11orf65 (chromosome 11 open reading frame 65; minus strand). Cytogenetic location: 11q22.3.
Variant type: single nucleotide variant.
Coding change: c.7804G>A on transcript NM_000051.4 (MANE Select); coding-DNA position 7804, G replaced by A.
Protein change: p.Ala2602Thr; replaces alanine 2602 with threonine.
Molecular consequence: missense variant. On other transcripts: intron variant (2).
Genome position (GRCh38, 1-based): chr11:108,332,777, G>A. VCF-style: chr11-108332777-G-A. GRCh37 (hg19) VCF-style: chr11-108203504-G-A.
Other names: c.7804G>A, p.Ala2602Thr (NM_001351834.2); c.641-23706C>T (NM_001330368.2); c.*38+2443C>T (NM_001351110.2); short protein forms A2602T.
Identifiers: ClinVar variation 481211 (VCV000481211.12), dbSNP rs1555125227, ClinGen allele CA382561267.

ClinVar aggregate classification (germline): Uncertain significance. Review status: criteria provided, multiple submitters, no conflicts (2 of 4 stars). 2 submissions from 2 submitters: Uncertain significance (2). Last evaluated 2022-01-03.

Conditions:
Hereditary cancer-predisposing syndrome. Also called: Neoplastic Syndromes, Hereditary; Hereditary Cancer Syndrome; Tumor predisposition; Hereditary neoplastic syndrome. Identifiers: Orphanet 140162, MedGen C0027672, MeSH D009386, MONDO:0015356.
Ataxia-telangiectasia syndrome (AT). Also called: LOUIS-BAR SYNDROME; Cerebello-oculocutaneous telangiectasia; Immunodeficiency with ataxia telangiectasia; Ataxia-telangiectasia, complementation group D; AT, COMPLEMENTATION GROUP C; Ataxia-telangiectasia, complementation group E. Identifiers: Orphanet 100, MedGen C0004135, MONDO:0008840, OMIM 208900.

Submissions (2):

Labcorp Genetics (formerly Invitae), Labcorp
Classification: Uncertain significance for Ataxia-telangiectasia syndrome. Last evaluated: 2022-01-03. Review status: criteria provided, single submitter. Criteria: Invitae Variant Classification Sherloc (09022015). Collection method: clinical testing. Allele origin: germline.
Comment: In summary, the available evidence is currently insufficient to determine the role of this variant in disease. Therefore, it has been classified as a Variant of Uncertain Significance. Advanced modeling of protein sequence and biophysical properties (such as structural, functional, and spatial information, amino acid conservation, physicochemical variation, residue mobility, and thermodynamic stability) performed at Invitae indicates that this missense variant is expected to disrupt ATM protein function. ClinVar contains an entry for this variant (Variation ID: 481211). This variant has not been reported in the literature in individuals affected with ATM-related conditions. This sequence change replaces alanine, which is neutral and non-polar, with threonine, which is neutral and polar, at codon 2602 of the ATM protein (p.Ala2602Thr). This variant is not present in population databases (gnomAD no frequency).

Ambry Genetics
Classification: Uncertain significance for Hereditary cancer-predisposing syndrome. Last evaluated: 2016-01-08. Review status: criteria provided, single submitter. Criteria: Ambry Variant Classification Scheme 2023. Collection method: clinical testing. Allele origin: germline.
Comment: The p.A2602T variant (also known as c.7804G>A), located in coding exon 52 of the ATM gene, results from a G to A substitution at nucleotide position 7804. The alanine at codon 2602 is replaced by threonine, an amino acid with similar properties. This variant was not reported in population based cohorts in the following databases: Database of Single Nucleotide Polymorphisms (dbSNP), NHLBI Exome Sequencing Project (ESP), and 1000 Genomes Project. In the ESP, this variant was not observed in 6499 samples (12998 alleles) with coverage at this position. To date, this alteration has been detected with an allele frequency of approximately 0.001% (greater than 125000 alleles tested) in our clinical cohort. This amino acid position is highly conserved in available vertebrate species. In addition, this alteration is predicted to be deleterious by in silico analysis. Since supporting evidence is limited at this time, the clinical significance of p.A2602T remains unclear.